The following is an entry in ClinVar:

ClinVar aggregate classification (germline): Conflicting classifications of pathogenicity. Review status: criteria provided, conflicting classifications (1 of 4 stars). 6 submissions from 6 submitters: Uncertain significance (1); Benign (4); Likely benign (1). Last evaluated 2026-02-06.

Conditions:
CASK-related disorder. Also called: CASK-related disorders; CASK-related condition.
Inborn genetic diseases. Identifiers: MedGen C0950123, MeSH D030342.
Intellectual disability, CASK-related, X-linked. Identifiers: MedGen CN043158.

Allele frequency attached by ClinVar (database versions not stated): gnomAD 0.00003 and 0.00011; gnomAD exomes 0.00016 and 0.00022; ExAC 0.00020; 1000 Genomes Project 0.00053; TOPMed 0.00014; 1000 Genomes Project 30x 0.00042.
gnomAD v4.1: 201 of 1,203,462 alleles (0.017%); highest among the groups gnomAD compares: East Asian, 0.46%; 1 homozygote.

Submissions (6):

PreventionGenetics, part of Exact Sciences
Classification: Likely benign for CASK-related condition. Last evaluated: 2026-02-06. Review status: criteria provided, single submitter. Criteria: ACMG Guidelines, 2015. Collection method: clinical testing. Allele origin: germline.
Comment: This variant is classified as likely benign based on ACMG/AMP sequence variant interpretation guidelines (Richards et al. 2015 PMID: 25741868, with internal and published modifications).

Labcorp Genetics (formerly Invitae), Labcorp
Classification: Benign for Intellectual disability, CASK-related, X-linked. Last evaluated: 2025-12-15. Review status: criteria provided, single submitter. Criteria: Invitae Variant Classification Sherloc (09022015). Collection method: clinical testing. Allele origin: germline.

CeGaT Center for Human Genetics Tuebingen
Classification: Benign. Last evaluated: 2022-05-01. Review status: criteria provided, single submitter. Criteria: CeGaT Center For Human Genetics Tuebingen Variant Classification Criteria Version 2. Collection method: clinical testing. Allele origin: germline. Affected: yes. Observed: 2 variant alleles.
Comment: CASK: PP2, BS1, BS2

GeneDx
Classification: Benign. Last evaluated: 2020-08-03. Review status: criteria provided, single submitter. Criteria: GeneDx Variant Classification Process June 2021. Collection method: clinical testing. Allele origin: germline. Affected: yes.
Comment: This variant is associated with the following publications: (PMID: 31139143)

Ambry Genetics
Classification: Benign for Inborn genetic diseases. Last evaluated: 2018-03-20. Review status: criteria provided, single submitter. Criteria: Ambry Variant Classification Scheme 2023. Collection method: clinical testing. Allele origin: germline.

Eurofins Ntd Llc (ga)
Classification: Uncertain significance. Last evaluated: 2014-04-09. Review status: criteria provided, single submitter. Criteria: EGL Classification Definitions 2015. Collection method: clinical testing. Allele origin: germline. Observed: 1 variant allele, 1 hemizygote.

NM_001367721.1(CASK):c.1922G>A (p.Arg641Lys)

Gene: CASK (calcium/calmodulin dependent serine protein kinase; minus strand). Cytogenetic location: Xp11.4.
Variant type: single nucleotide variant.
Coding change: c.1922G>A on transcript NM_001367721.1 (MANE Select); coding-DNA position 1922, G replaced by A.
Protein change: p.Arg641Lys; replaces arginine 641 with lysine.
Molecular consequence: missense variant.
Genome position (GRCh38, 1-based): chrX:41,553,836, C>T on the plus strand (G>A on the coding strand, the complement: CASK is on the minus strand). VCF-style: chrX-41553836-C-T. GRCh37 (hg19) VCF-style: chrX-41413089-C-T.
Other names: c.1853G>A, p.Arg618Lys (NM_001126054.3); c.1835G>A, p.Arg612Lys (NM_001126055.3); c.1904G>A, p.Arg635Lys (NM_001410745.1); c.1922G>A, p.Arg641Lys (NM_003688.4); short protein forms R641K, R618K, R612K, R635K.
Identifiers: ClinVar variation 166794 (VCV000166794.91), dbSNP rs76106850, ClinGen allele CA233623.